The following is an entry in ClinVar:

NM_001035.3(RYR2):c.3109C>G (p.Leu1037Val)

Gene: RYR2 (ryanodine receptor 2; plus strand). Cytogenetic location: 1q43.
Variant type: single nucleotide variant.
Coding change: c.3109C>G on transcript NM_001035.3 (MANE Select); coding-DNA position 3109, C replaced by G.
Protein change: p.Leu1037Val; replaces leucine 1037 with valine.
Molecular consequence: missense variant.
Genome position (GRCh38, 1-based): chr1:237,550,586, C>G. VCF-style: chr1-237550586-C-G. GRCh37 (hg19) VCF-style: chr1-237713886-C-G.
Other names: short protein forms L1037V.
Identifiers: ClinVar variation 1008805 (VCV001008805.10), dbSNP rs762576802, ClinGen allele CA086312.

ClinVar aggregate classification (germline): Uncertain significance (1 of 4 stars; one submission).

Conditions:
Catecholaminergic polymorphic ventricular tachycardia 1. Also called: RYR2-Related Catecholaminergic Polymorphic Ventricular Tachycardia; VENTRICULAR TACHYCARDIA, CATECHOLAMINERGIC POLYMORPHIC, 1, WITH OR WITHOUT ATRIAL DYSFUNCTION AND/OR DILATED CARDIOMYOPATHY; VENTRICULAR TACHYCARDIA, STRESS-INDUCED POLYMORPHIC 1. Identifiers: Orphanet 3286, MedGen C1631597, MONDO:0011484, OMIM 604772.

Allele frequency attached by ClinVar (database versions not stated): gnomAD exomes below 0.00001; ExAC 0.00001.
gnomAD v4.1: 1 of 1,607,652 alleles (0.000062%); no homozygotes.

Submission:

Labcorp Genetics (formerly Invitae), Labcorp
Classification: Uncertain significance for Catecholaminergic polymorphic ventricular tachycardia 1. Last evaluated: 2020-06-15. Review status: criteria provided, single submitter. Criteria: Invitae Variant Classification Sherloc (09022015). Collection method: clinical testing. Allele origin: germline.
Comment: Algorithms developed to predict the effect of missense changes on protein structure and function (SIFT, PolyPhen-2, Align-GVGD) all suggest that this variant is likely to be disruptive, but these predictions have not been confirmed by published functional studies and their clinical significance is uncertain. This variant has not been reported in the literature in individuals with RYR2-related conditions. This variant is present in population databases (rs762576802, ExAC 0.003%). This sequence change replaces leucine with valine at codon 1037 of the RYR2 protein (p.Leu1037Val). The leucine residue is highly conserved and there is a small physicochemical difference between leucine and valine. In summary, the available evidence is currently insufficient to determine the role of this variant in disease. Therefore, it has been classified as a Variant of Uncertain Significance.